The following is an entry in ClinVar:

NM_198253.3(TERT):c.1018C>G (p.Gln340Glu)

Gene: TERT (telomerase reverse transcriptase; minus strand). Cytogenetic location: 5p15.33.
Variant type: single nucleotide variant.
Coding change: c.1018C>G on transcript NM_198253.3 (MANE Select); coding-DNA position 1018, C replaced by G.
Protein change: p.Gln340Glu; replaces glutamine 340 with glutamic acid.
Molecular consequence: missense variant. On other transcripts: non-coding transcript variant (2).
Genome position (GRCh38, 1-based): chr5:1,293,868, G>C on the plus strand (C>G on the coding strand, the complement: TERT is on the minus strand). VCF-style: chr5-1293868-G-C. GRCh37 (hg19) VCF-style: chr5-1293983-G-C.
Other names: c.1018C>G, p.Gln340Glu (NM_001193376.3); short protein forms Q340E.
Identifiers: ClinVar variation 3455186 (VCV003455186.1).

ClinVar aggregate classification (germline): Uncertain significance (1 of 4 stars; one submission).

Conditions:
Dyskeratosis congenita. Identifiers: Orphanet 1775, MedGen C0265965, MONDO:0015780.

gnomAD v4.1: 3 of 1,545,002 alleles (0.00019%); highest among the groups gnomAD compares: Non-Finnish European, 0.00026%; no homozygotes.

Submission:

Ambry Genetics
Classification: Uncertain significance for Dyskeratosis congenita. Last evaluated: 2024-09-13. Review status: criteria provided, single submitter. Criteria: Ambry Variant Classification Scheme 2023. Collection method: clinical testing. Allele origin: germline.
Comment: The p.Q340E variant (also known as c.1018C>G), located in coding exon 2 of the TERT gene, results from a C to G substitution at nucleotide position 1018. The glutamine at codon 340 is replaced by glutamic acid, an amino acid with highly similar properties. This amino acid position is conserved. In addition, this alteration is predicted to be tolerated by in silico analysis. Based on the available evidence, the clinical significance of this variant remains unclear.